The following is an entry in ClinVar:

NM_005560.6(LAMA5):c.9950G>A (p.Arg3317His)

Gene: LAMA5 (laminin subunit alpha 5; minus strand). Cytogenetic location: 20q13.33.
Variant type: single nucleotide variant.
Coding change: c.9950G>A on transcript NM_005560.6 (MANE Select); coding-DNA position 9950, G replaced by A.
Protein change: p.Arg3317His; replaces arginine 3317 with histidine.
Molecular consequence: missense variant.
Genome position (GRCh38, 1-based): chr20:62,311,300, C>T on the plus strand (G>A on the coding strand, the complement: LAMA5 is on the minus strand). VCF-style: chr20-62311300-C-T. GRCh37 (hg19) VCF-style: chr20-60886356-C-T.
Other names: c.9950G>A (NM_005560.3); short protein forms R3317H.
Identifiers: ClinVar variation 2046593 (VCV002046593.5), dbSNP rs146327054, ClinGen allele CA9939986.

ClinVar aggregate classification (germline): Uncertain significance. Review status: criteria provided, multiple submitters, no conflicts (2 of 4 stars). 2 submissions from 2 submitters: Uncertain significance (2). Last evaluated 2025-11-18.

Conditions:
Inborn genetic diseases. Identifiers: MedGen C0950123, MeSH D030342.

Allele frequency attached by ClinVar (database versions not stated): gnomAD exomes 0.00025; ExAC 0.00034; gnomAD 0.00061; TOPMed 0.00064; 1000 Genomes Project 30x 0.00078; 1000 Genomes Project 0.00080; ESP Exome Variant Server 0.00093.

Submissions (2):

Labcorp Genetics (formerly Invitae), Labcorp
Classification: Uncertain significance. Last evaluated: 2025-11-18. Review status: criteria provided, single submitter. Criteria: Invitae Variant Classification Sherloc (09022015). Collection method: clinical testing. Allele origin: germline.
Comment: This sequence change replaces arginine, which is basic and polar, with histidine, which is basic and polar, at codon 3317 of the LAMA5 protein (p.Arg3317His). This variant is present in population databases (rs146327054, gnomAD 0.1%). This variant has not been reported in the literature in individuals affected with LAMA5-related conditions. ClinVar contains an entry for this variant (Variation ID: 2046593). An algorithm developed to predict the effect of missense changes on protein structure and function (PolyPhen-2) suggests that this variant is likely to be tolerated. In summary, the available evidence is currently insufficient to determine the role of this variant in disease. Therefore, it has been classified as a Variant of Uncertain Significance.

Ambry Genetics
Classification: Uncertain significance for Inborn genetic diseases. Last evaluated: 2025-08-19. Review status: criteria provided, single submitter. Criteria: Ambry Variant Classification Scheme 2023. Collection method: clinical testing. Allele origin: germline.